The following is an entry in ClinVar:

NM_000494.4(COL17A1):c.324G>A (p.Ala108=)

Gene: COL17A1 (collagen type XVII alpha 1 chain; minus strand). Cytogenetic location: 10q25.1.
Variant type: single nucleotide variant.
Coding change: c.324G>A on transcript NM_000494.4 (MANE Select); coding-DNA position 324, G replaced by A.
Protein change: p.Ala108=; no amino-acid change (alanine 108 retained).
Molecular consequence: synonymous variant.
Genome position (GRCh38, 1-based): chr10:104,076,308, C>T on the plus strand (G>A on the coding strand, the complement: COL17A1 is on the minus strand). VCF-style: chr10-104076308-C-T. GRCh37 (hg19) VCF-style: chr10-105836066-C-T.
Other names: c.324G>A, p.Ala108= (LRG_1249t1).
Identifiers: ClinVar variation 298753 (VCV000298753.16), dbSNP rs61731085, ClinGen allele CA5679492.

ClinVar aggregate classification (germline): Benign/Likely benign. Review status: criteria provided, multiple submitters, no conflicts (2 of 4 stars). 4 submissions from 4 submitters: Benign (1); Likely benign (2). 1 of the submissions does not count toward it. Last evaluated 2026-01-31.

Conditions:
COL17A1-related disorder. Also called: COL17A1-related condition.
Junctional epidermolysis bullosa, non-Herlitz type. Also called: EPIDERMOLYSIS BULLOSA JUNCTIONALIS, DISENTIS TYPE; EPIDERMOLYSIS BULLOSA JUNCTIONALIS, NON-HERLITZ TYPE; EPIDERMOLYSIS BULLOSA JUNCTIONALIS, PROGRESSIVE; EPIDERMOLYSIS BULLOSA JUNCTIONALIS, SEVERE NONLETHAL; Adult junctional epidermolysis bullosa; Epidermolysis bullosa, junctional, non-herlitz type, somatic mosaic revertant. Identifiers: Orphanet 251393, Orphanet 79402, Orphanet 79405, Orphanet 89840, MedGen C0268374, MONDO:0009180, OMIM 226650.

Allele frequency attached by ClinVar (database versions not stated): TOPMed 0.01293; 1000 Genomes Project 0.01378; 1000 Genomes Project 30x 0.01499; ESP Exome Variant Server 0.01569.

Submissions (4):

Labcorp Genetics (formerly Invitae), Labcorp
Classification: Benign. Last evaluated: 2026-01-31. Review status: criteria provided, single submitter. Criteria: Invitae Variant Classification Sherloc (09022015). Collection method: clinical testing. Allele origin: germline.

Illumina Laboratory Services, Illumina
Classification: Likely benign for Junctional epidermolysis bullosa, non-Herlitz type. Last evaluated: 2017-04-27. Review status: criteria provided, single submitter. Criteria: ICSL Variant Classification Criteria 13 December 2019. Collection method: clinical testing. Allele origin: germline.
Comment: This variant was observed as part of a predisposition screen in an ostensibly healthy population. A literature search was performed for the gene, cDNA change, and amino acid change (where applicable). No publications were found based on this search. Allele frequency data from public databases allowed determination this variant is unlikely to cause disease. Therefore, this variant is classified as likely benign.

Breakthrough Genomics
Classification: Likely benign. Review status: criteria provided, single submitter. Criteria: ACMG Guidelines, 2015. Collection method: not provided. Allele origin: germline. Inheritance: Autosomal recessive inheritance. Affected: yes.

PreventionGenetics, part of Exact Sciences
Classification: Benign for COL17A1-related condition. Last evaluated: 2019-03-27. Review status: no assertion criteria provided. Collection method: clinical testing. Allele origin: germline. Not counted in ClinVar's aggregate classification.
Comment: This variant is classified as benign based on ACMG/AMP sequence variant interpretation guidelines (Richards et al. 2015 PMID: 25741868, with internal and published modifications).